The following is an entry in ClinVar:

NM_001164462.2(MUC12):c.1842G>A (p.Ser614=)

Gene: MUC12 (mucin 12, cell surface associated; plus strand). Cytogenetic location: 7q22.1.
Variant type: single nucleotide variant.
Coding change: c.1842G>A on transcript NM_001164462.2 (MANE Select); coding-DNA position 1842, G replaced by A.
Protein change: p.Ser614=; no amino-acid change (serine 614 retained).
Molecular consequence: synonymous variant.
Genome position (GRCh38, 1-based): chr7:100,992,405, G>A. VCF-style: chr7-100992405-G-A. GRCh37 (hg19) VCF-style: chr7-100635686-G-A.
Identifiers: ClinVar variation 2657800 (VCV002657800.24), dbSNP rs201824365, ClinGen allele CA4399184.
Genomic context (GRCh38, chr7:100,992,405, plus strand): 5'-CAACACCACAGCCTCAGGACTCCTTGAAGCATCTATGCCCGTCCACAGCAGCACCAGATC[G>A]CCACACACAACACTGTCCCCTGCCGGCTCTACAACCCGTCAGGGAGAATCTACCACATTC-3'
Protein context (NP_001157934.1, residues 604-624): ASMPVHSSTR[Ser614=]PHTTLSPAGS

ClinVar aggregate classification (germline): Likely benign (1 of 4 stars; one submission).

Allele frequency attached by ClinVar (database versions not stated): 1000 Genomes Project 0.00120; 1000 Genomes Project 30x 0.00187; gnomAD 0.00315; ESP Exome Variant Server 0.00350; ExAC 0.00534.

Submission:

CeGaT Center for Human Genetics Tuebingen
Classification: Likely benign. Last evaluated: 2022-07-01. Review status: criteria provided, single submitter. Criteria: CeGaT Center For Human Genetics Tuebingen Variant Classification Criteria Version 2. Collection method: clinical testing. Allele origin: germline. Affected: yes. Observed: 1 variant allele.
Comment: MUC12: BP4, BP7